The following is an entry in ClinVar:

ClinVar aggregate classification (germline): Uncertain significance (1 of 4 stars; one submission).

Allele frequency attached by ClinVar (database versions not stated): gnomAD exomes below 0.00001.
gnomAD v4.1: 1 of 1,614,122 alleles (0.000062%); highest among the groups gnomAD compares: Middle Eastern, 0.016%; no homozygotes.

Submission:

Ambry Genetics
Classification: Uncertain significance. Last evaluated: 2021-06-20. Review status: criteria provided, single submitter. Criteria: Ambry Variant Classification Scheme 2023. Collection method: clinical testing. Allele origin: germline.
Comment: The p.E1233K variant (also known as c.3697G>A), located in coding exon 17 of the NPAT gene, results from a G to A substitution at nucleotide position 3697. The glutamic acid at codon 1233 is replaced by lysine, an amino acid with similar properties. This amino acid position is conserved. In addition, this alteration is predicted to be tolerated by in silico analysis. Since supporting evidence is limited at this time, the clinical significance of this alteration remains unclear.

NM_002519.3(NPAT):c.3697G>A (p.Glu1233Lys)

Gene: NPAT (nuclear protein, coactivator of histone transcription; minus strand). Cytogenetic location: 11q22.3.
Variant type: single nucleotide variant.
Coding change: c.3697G>A on transcript NM_002519.3 (MANE Select); coding-DNA position 3697, G replaced by A.
Protein change: p.Glu1233Lys; replaces glutamic acid 1233 with lysine.
Molecular consequence: missense variant.
Genome position (GRCh38, 1-based): chr11:108,161,389, C>T on the plus strand (G>A on the coding strand, the complement: NPAT is on the minus strand). VCF-style: chr11-108161389-C-T. GRCh37 (hg19) VCF-style: chr11-108032116-C-T.
Other names: c.3718G>A, p.Glu1240Lys (NM_001321307.1); short protein forms E1240K, E1233K.
Identifiers: ClinVar variation 1734006 (VCV001734006.2), dbSNP rs2496694996, ClinGen allele CA382510248.
Genomic context (GRCh38, chr11:108,161,389, plus strand): 5'-GCCTCTGTATATCCTGTAACATTTCTGTGGTAATCAAAGAACTGGCGGATTTAGTTTGTT[C>T]TTGTTTTAGATCCTTCACAGCTGTACCTACTGAAAGTACATTTTTATTGTTTGAAGATGT-3'
Protein context (NP_002510.2, residues 1223-1243): VGTAVKDLKQ[Glu1233Lys]QTKSASSLIT